The following is an entry in ClinVar:

NM_020699.4(GATAD2B):c.1536_1541del (p.512PQ[1])

Gene: GATAD2B (GATA zinc finger domain containing 2B; minus strand). Cytogenetic location: 1q21.3.
Variant type: Deletion.
Coding change: c.1536_1541del on transcript NM_020699.4 (MANE Select); coding-DNA positions 1536 to 1541, 6 bases deleted (ACAGCC; older notation c.1536_1541delACAGCC).
Protein change: p.512PQ[1].
Genome position (GRCh38, 1-based): chr1:153,811,838-153,811,843, GGCTGT deleted on the plus strand (ACAGCC on the coding strand, the reverse complement: GATAD2B is on the minus strand); deleting any 6 consecutive bases within chr1:153,811,838-153,811,845 gives the same sequence; the c. name uses the placement nearest the transcript's 3' end. VCF-style (leftmost placement, unchanged base first): chr1-153811837-GGGCTGT-G. GRCh37 (hg19) VCF-style: chr1-153784313-GGGCTGT-G.
Identifiers: ClinVar variation 3378385 (VCV003378385.1).

ClinVar aggregate classification (germline): Uncertain significance (1 of 4 stars; one submission).

Submission:

GeneDx
Classification: Uncertain significance. Last evaluated: 2024-05-15. Review status: criteria provided, single submitter. Criteria: GeneDx Variant Classification Process June 2021. Collection method: clinical testing. Allele origin: germline. Affected: yes.
Comment: Not observed at significant frequency in large population cohorts (gnomAD); In-frame deletion/of 2 amino acids in a non-repeat region; In silico analysis indicates that this variant does not alter protein structure/function; Has not been previously published as pathogenic or benign to our knowledge